The following is an entry in ClinVar:

ClinVar aggregate classification (germline): Conflicting classifications of pathogenicity. Review status: criteria provided, conflicting classifications (1 of 4 stars). 3 submissions from 3 submitters: Uncertain significance (1); Likely benign (2). Last evaluated 2026-06-01.

Conditions:
Hereditary sensory neuropathy-deafness-dementia syndrome. Also called: Hereditary sensory neuropathy type IE; Hereditary Sensory and Autonomic Neuropathy Type 1E (HSAN1E); NEUROPATHY, HEREDITARY SENSORY, WITH HEARING LOSS AND DEMENTIA; HSN IE. Identifiers: Orphanet 456318, MedGen C3279885, MONDO:0013584, OMIM 614116.

Allele frequency attached by ClinVar (database versions not stated): gnomAD exomes 0.00021; gnomAD 0.00024 and 0.00005; TOPMed 0.00041.
gnomAD v4.1: 83 of 814,414 alleles (0.01%); highest among the groups gnomAD compares: Admixed American, 0.064%; no homozygotes.

Submissions (3):

CeGaT Center for Human Genetics Tuebingen
Classification: Uncertain significance. Last evaluated: 2026-06-01. Review status: criteria provided, single submitter. Criteria: CeGaT Center For Human Genetics Tuebingen Variant Classification Criteria Version 2. Collection method: clinical testing. Allele origin: germline. Affected: yes. Observed: 1 variant allele.
Comment: DNMT1: PVS1:Moderate

Labcorp Genetics (formerly Invitae), Labcorp
Classification: Likely benign for Hereditary sensory neuropathy-deafness-dementia syndrome. Last evaluated: 2025-07-14. Review status: criteria provided, single submitter. Criteria: Invitae Variant Classification Sherloc (09022015). Collection method: clinical testing. Allele origin: germline.

GeneDx
Classification: Likely benign. Last evaluated: 2020-05-08. Review status: criteria provided, single submitter. Criteria: GeneDx Variant Classification Process June 2021. Collection method: clinical testing. Allele origin: germline. Affected: yes.
Comment: Has not been previously published as pathogenic or benign to our knowledge

NM_001130823.3(DNMT1):c.493+1G>A

Gene: DNMT1 (DNA methyltransferase 1; minus strand). Cytogenetic location: 19p13.2.
Variant type: single nucleotide variant.
Coding change: c.493+1G>A on transcript NM_001130823.3 (MANE Select); the canonical splice donor site of the intron after coding-DNA position 493, G replaced by A.
Molecular consequence: splice donor variant. On other transcripts: intron variant (2).
Genome position (GRCh38, 1-based): chr19:10,180,186, C>T on the plus strand (G>A on the coding strand, the complement: DNMT1 is on the minus strand). VCF-style: chr19-10180186-C-T. GRCh37 (hg19) VCF-style: chr19-10290862-C-T.
Other names: c.130+1G>A (NM_001318731.2); c.445+164G>A (NM_001379.4, NM_001318730.2).
Identifiers: ClinVar variation 472278 (VCV000472278.14), dbSNP rs975957081, ClinGen allele CA305184832.